The following is an entry in ClinVar:

NM_022089.4(ATP13A2):c.2621G>C (p.Gly874Ala)

Gene: ATP13A2 (ATPase cation transporting 13A2; minus strand). Cytogenetic location: 1p36.13.
Variant type: single nucleotide variant.
Coding change: c.2621G>C on transcript NM_022089.4 (MANE Select); coding-DNA position 2621, G replaced by C.
Protein change: p.Gly874Ala; replaces glycine 874 with alanine.
Molecular consequence: missense variant.
Genome position (GRCh38, 1-based): chr1:16,988,463, C>G on the plus strand (G>C on the coding strand, the complement: ATP13A2 is on the minus strand). VCF-style: chr1-16988463-C-G. GRCh37 (hg19) VCF-style: chr1-17314958-C-G.
Other names: c.2606G>C, p.Gly869Ala (NM_001141973.3); c.2489G>C, p.Gly830Ala (NM_001141974.3); short protein forms G830A, G869A, G874A.
Identifiers: ClinVar variation 3755461 (VCV003755461.2).

ClinVar aggregate classification (germline): Uncertain significance (1 of 4 stars; one submission).

Conditions:
Autosomal recessive spastic paraplegia type 78. Identifiers: Orphanet 513436, MedGen C5567893, MONDO:0014975, OMIM 617225.
Kufor-Rakeb syndrome (KRS). Also called: PARKINSON DISEASE 9, AUTOSOMAL RECESSIVE, JUVENILE-ONSET. Identifiers: Orphanet 306674, Orphanet 314632, MedGen C1847640, MONDO:0011706, OMIM 606693.

gnomAD v4.1: 5 of 1,613,834 alleles (0.00031%); highest among the groups gnomAD compares: Admixed American, 0.0083%; no homozygotes.

Submission:

Labcorp Genetics (formerly Invitae), Labcorp
Classification: Uncertain significance for Kufor-Rakeb syndrome; Autosomal recessive spastic paraplegia type 78. Last evaluated: 2025-02-03. Review status: criteria provided, single submitter. Criteria: Invitae Variant Classification Sherloc (09022015). Collection method: clinical testing. Allele origin: germline.
Comment: This sequence change replaces glycine, which is neutral and non-polar, with alanine, which is neutral and non-polar, at codon 874 of the ATP13A2 protein (p.Gly874Ala). This variant is present in population databases (rs775892776, gnomAD 0.009%). This variant has not been reported in the literature in individuals affected with ATP13A2-related conditions. Invitae Evidence Modeling of protein sequence and biophysical properties (such as structural, functional, and spatial information, amino acid conservation, physicochemical variation, residue mobility, and thermodynamic stability) indicates that this missense variant is not expected to disrupt ATP13A2 protein function with a negative predictive value of 80%. In summary, the available evidence is currently insufficient to determine the role of this variant in disease. Therefore, it has been classified as a Variant of Uncertain Significance.